The following is an entry in ClinVar:

ClinVar aggregate classification (germline): Uncertain significance (1 of 4 stars; one submission).

Conditions:
Usher syndrome type 3B. Also called: USHER SYNDROME, TYPE IIIB. Identifiers: MedGen C3281066, MONDO:0013788, OMIM 614504.

Submission:

Labcorp Genetics (formerly Invitae), Labcorp
Classification: Uncertain significance for Usher syndrome type 3B. Last evaluated: 2021-02-13. Review status: criteria provided, single submitter. Criteria: Invitae Variant Classification Sherloc (09022015). Collection method: clinical testing. Allele origin: germline.
Comment: This variant has been observed in individual(s) with clinical features of Charcot-Marie-Tooth disease (Invitae). This variant is not present in population databases (ExAC no frequency). This sequence change replaces valine with aspartic acid at codon 133 of the HARS protein (p.Val133Asp). The valine residue is highly conserved and there is a large physicochemical difference between valine and aspartic acid. Algorithms developed to predict the effect of missense changes on protein structure and function are either unavailable or do not agree on the potential impact of this missense change (SIFT: "Deleterious"; PolyPhen-2: "Probably Damaging"; Align-GVGD: "Class C0"). This variant disrupts the p.Val133 amino acid residue in HARS. Other variant(s) that disrupt this residue have been observed in individuals with HARS-related conditions (PMID: 31211171), which suggests that this may be a clinically significant amino acid residue. In summary, the available evidence is currently insufficient to determine the role of this variant in disease. Therefore, it has been classified as a Variant of Uncertain Significance.

Literature cited by the submitters: PubMed 31211171.

NM_002109.6(HARS1):c.398T>A (p.Val133Asp)

Gene: HARS1 (histidyl-tRNA synthetase 1; minus strand). Cytogenetic location: 5q31.3.
Variant type: single nucleotide variant.
Coding change: c.398T>A on transcript NM_002109.6 (MANE Select); coding-DNA position 398, T replaced by A.
Protein change: p.Val133Asp; replaces valine 133 with aspartic acid.
Molecular consequence: missense variant. On other transcripts: intron variant (2).
Genome position (GRCh38, 1-based): chr5:140,679,126, A>T on the plus strand (T>A on the coding strand, the complement: HARS1 is on the minus strand). VCF-style: chr5-140679126-A-T. GRCh37 (hg19) VCF-style: chr5-140058711-A-T.
Other names: c.278T>A, p.Val93Asp (NM_001258040.3, NM_001258042.3); c.398T>A, p.Val133Asp (NM_001258041.3); c.311T>A, p.Val104Asp (NM_001289094.2); c.181-1111T>A (NM_001289093.2); c.301-1111T>A (NM_001289092.2); short protein forms V104D, V133D, V93D.
Identifiers: ClinVar variation 1680348 (VCV001680348.8), dbSNP rs2149826951, ClinGen allele CA361257473.